The following is an entry in ClinVar:

ClinVar aggregate classification (germline): Likely benign. Review status: criteria provided, multiple submitters, no conflicts (2 of 4 stars). 3 submissions from 3 submitters: Likely benign (3). Last evaluated 2025-12-15.

Conditions:
RIPOR2-related disorder. Also called: RIPOR2-related condition.

Allele frequency attached by ClinVar (database versions not stated): gnomAD 0.00003 and 0.00006; TOPMed 0.00005; ESP Exome Variant Server 0.00008; gnomAD exomes 0.00013 and 0.00025; ExAC 0.00030.

Submissions (3):

Labcorp Genetics (formerly Invitae), Labcorp
Classification: Likely benign. Last evaluated: 2025-12-15. Review status: criteria provided, single submitter. Criteria: Invitae Variant Classification Sherloc (09022015). Collection method: clinical testing. Allele origin: germline.

PreventionGenetics, part of Exact Sciences
Classification: Likely benign for RIPOR2-related condition. Last evaluated: 2025-09-18. Review status: criteria provided, single submitter. Criteria: ACMG Guidelines, 2015. Collection method: clinical testing. Allele origin: germline.
Comment: This variant is classified as likely benign based on ACMG/AMP sequence variant interpretation guidelines (Richards et al. 2015 PMID: 25741868, with internal and published modifications).

Laboratory for Molecular Medicine, Mass General Brigham Personalized Medicine
Classification: Likely benign. Last evaluated: 2017-08-23. Review status: criteria provided, single submitter. Criteria: LMM Criteria. Collection method: clinical testing. Allele origin: germline. Observed: 1 variant allele.
Comment: p.Leu96Leu in exon 4 of FAM65B: This variant is not expected to have clinical si gnificance because it does not alter an amino acid residue and is not located wi thin the splice consensus sequence. It has been identified in 0.16% (27/16502) o f South Asian chromosomes by the Exome Aggregation Consortium (ExAC .; dbSNP rs375464333).

NM_001286445.3(RIPOR2):c.375G>T (p.Leu125=)

Gene: RIPOR2 (RHO family interacting cell polarization regulator 2; minus strand). Cytogenetic location: 6p22.3.
Variant type: single nucleotide variant.
Coding change: c.375G>T on transcript NM_001286445.3 (MANE Select); coding-DNA position 375, G replaced by T.
Protein change: p.Leu125=; no amino-acid change (leucine 125 retained).
Molecular consequence: synonymous variant.
Genome position (GRCh38, 1-based): chr6:24,872,929, C>A on the plus strand (G>T on the coding strand, the complement: RIPOR2 is on the minus strand). VCF-style: chr6-24872929-C-A. GRCh37 (hg19) VCF-style: chr6-24873157-C-A.
Other names: c.390G>T, p.Leu130= (NM_001286446.3); c.288G>T, p.Leu96= (NM_001286447.2, NM_001346031.2, NM_001346032.2 and 2 more transcripts); c.288G>T (NM_014722.4).
Identifiers: ClinVar variation 666746 (VCV000666746.8), dbSNP rs375464333, ClinGen allele CA3659558.